The following is an entry in ClinVar:

ClinVar aggregate classification (germline): Likely benign. Review status: criteria provided, multiple submitters, no conflicts (2 of 4 stars). 2 submissions from 2 submitters: Likely benign (2). Last evaluated 2025-08-01.

Conditions:
Myopathy, tubular aggregate, 2 (TAM2). Identifiers: MedGen C4014557, MONDO:0014383, OMIM 615883.
Combined immunodeficiency due to ORAI1 deficiency. Also called: IMMUNODEFICIENCY 9. Identifiers: Orphanet 169090, Orphanet 317428, MedGen C2748568, MONDO:0013007, OMIM 612782.

Allele frequency attached by ClinVar (database versions not stated): gnomAD exomes below 0.00001.

Submissions (2):

CeGaT Center for Human Genetics Tuebingen
Classification: Likely benign. Last evaluated: 2025-08-01. Review status: criteria provided, single submitter. Criteria: CeGaT Center For Human Genetics Tuebingen Variant Classification Criteria Version 2. Collection method: clinical testing. Allele origin: germline. Affected: yes. Observed: 1 variant allele.
Comment: ORAI1: BP4, BP7

Labcorp Genetics (formerly Invitae), Labcorp
Classification: Likely benign for Myopathy, tubular aggregate, 2; Combined immunodeficiency due to ORAI1 deficiency. Last evaluated: 2025-03-18. Review status: criteria provided, single submitter. Criteria: Invitae Variant Classification Sherloc (09022015). Collection method: clinical testing. Allele origin: germline.

NC_000012.12:g.121626903C>T

Genes: ORAI1 (ORAI calcium release-activated calcium modulator 1; plus strand), LOC130008987 (ATAC-STARR-seq lymphoblastoid silent region 4981; plus strand). Cytogenetic location: 12q24.31.
Variant type: single nucleotide variant.
Genome position: GRCh38 VCF-style: chr12-121626903-C-T. GRCh37 (hg19) VCF-style: chr12-122064809-C-T.
Other names: c.156C>T, p.Tyr52= (NM_032790.4).
Identifiers: ClinVar variation 1931681 (VCV001931681.13), dbSNP rs1555322560, ClinGen allele CA2067977446.